The following is an entry in ClinVar:

NM_001382430.1(AKT1):c.313A>G (p.Thr105Ala)

Gene: AKT1 (AKT serine/threonine kinase 1; minus strand). Cytogenetic location: 14q32.33.
Variant type: single nucleotide variant.
Coding change: c.313A>G on transcript NM_001382430.1 (MANE Select); coding-DNA position 313, A replaced by G.
Protein change: p.Thr105Ala; replaces threonine 105 with alanine.
Molecular consequence: missense variant.
Genome position (GRCh38, 1-based): chr14:104,775,774, T>C on the plus strand (A>G on the coding strand, the complement: AKT1 is on the minus strand). VCF-style: chr14-104775774-T-C. GRCh37 (hg19) VCF-style: chr14-105242111-T-C.
Other names: c.313A>G, p.Thr105Ala (NM_001014431.2, NM_001014432.2, NM_001382431.1 and 3 more transcripts); short protein forms T105A.
Identifiers: ClinVar variation 1728059 (VCV001728059.2), dbSNP rs1038322721, ClinGen allele CA267350233.

ClinVar aggregate classification (germline): Uncertain significance (1 of 4 stars; one submission).

Conditions:
Inborn genetic diseases. Identifiers: MedGen C0950123, MeSH D030342.

Allele frequency attached by ClinVar (database versions not stated): gnomAD 0.00001.
gnomAD v4.1: 1 of 1,613,892 alleles (0.000062%); highest among the groups gnomAD compares: African/African-American, 0.0013%; no homozygotes.

Submission:

Ambry Genetics
Classification: Uncertain significance for Inborn genetic diseases. Last evaluated: 2021-08-11. Review status: criteria provided, single submitter. Criteria: Ambry Variant Classification Scheme 2023. Collection method: clinical testing. Allele origin: germline.
Comment: The p.T105A variant (also known as c.313A>G), located in coding exon 4 of the AKT1 gene, results from an A to G substitution at nucleotide position 313. The threonine at codon 105 is replaced by alanine, an amino acid with similar properties. This amino acid position is conserved. In addition, this alteration is predicted to be tolerated by in silico analysis. Since supporting evidence is limited at this time, the clinical significance of this alteration remains unclear.